The following is an entry in ClinVar:

ClinVar aggregate classification (germline): Uncertain significance. Review status: criteria provided, multiple submitters, no conflicts (2 of 4 stars). 2 submissions from 2 submitters: Uncertain significance (2). Last evaluated 2025-08-11.

Conditions:
Alstrom syndrome (ALMS). Identifiers: Orphanet 64, MedGen C0268425, MONDO:0008763, OMIM 203800.

Submissions (2):

GeneDx
Classification: Uncertain significance. Last evaluated: 2025-08-11. Review status: criteria provided, single submitter. Criteria: GeneDx Variant Classification Process June 2021. Collection method: clinical testing. Allele origin: germline.
Comment: Not observed at significant frequency in large population cohorts (gnomAD); In silico analysis supports that this missense variant has a deleterious effect on protein structure/function; Has not been previously published as pathogenic or benign to our knowledge

Labcorp Genetics (formerly Invitae), Labcorp
Classification: Uncertain significance for Alstrom syndrome. Last evaluated: 2017-06-26. Review status: criteria provided, single submitter. Criteria: Invitae Variant Classification Sherloc (09022015). Collection method: clinical testing. Allele origin: germline.
Comment: Algorithms developed to predict the effect of missense changes on protein structure and function do not agree on the potential impact of this missense change (SIFT: "Deleterious"; PolyPhen-2: "Probably Damaging"; Align-GVGD: "Class C0"). In summary, the available evidence is currently insufficient to determine the role of this variant in disease. Therefore, it has been classified as a Variant of Uncertain Significance. This variant has not been reported in the literature in individuals with ALMS1-related disease. This variant is not present in population databases (ExAC no frequency). This sequence change replaces glutamine with lysine at codon 2759 of the ALMS1 protein (p.Gln2759Lys). The glutamine residue is highly conserved and there is a small physicochemical difference between glutamine and lysine.

NM_001378454.1(ALMS1):c.8272C>A (p.Gln2758Lys)

Gene: ALMS1 (ALMS1 centrosome and basal body associated protein; plus strand). Cytogenetic location: 2p13.1.
Variant type: single nucleotide variant.
Coding change: c.8272C>A on transcript NM_001378454.1 (MANE Select); coding-DNA position 8272, C replaced by A.
Protein change: p.Gln2758Lys; replaces glutamine 2758 with lysine.
Molecular consequence: missense variant.
Genome position (GRCh38, 1-based): chr2:73,490,231, C>A. VCF-style: chr2-73490231-C-A. GRCh37 (hg19) VCF-style: chr2-73717358-C-A.
Other names: c.8275C>A, p.Gln2759Lys (NM_015120.4); short protein forms Q2759K, Q2758K.
Identifiers: ClinVar variation 459890 (VCV000459890.9), dbSNP rs756042345, ClinGen allele CA347268073.